The following is an entry in ClinVar:

ClinVar aggregate classification (germline): Likely benign (1 of 4 stars; one submission).

Allele frequency attached by ClinVar (database versions not stated): 1000 Genomes Project 0.00958; 1000 Genomes Project 30x 0.01015; TOPMed 0.01188.
gnomAD v4.1: 1,707 of 152,206 alleles (1.1%); highest among the groups gnomAD compares: Middle Eastern, 2%; 17 homozygotes.

Submissions (3):

GeneDx
Classification: Likely benign. Last evaluated: 2018-06-18. Review status: criteria provided, single submitter. Criteria: GeneDx Variant Classification (06012015). Collection method: clinical testing. Allele origin: germline. Affected: yes.
Comment: This variant is considered likely benign or benign based on one or more of the following criteria: it is a conservative change, it occurs at a poorly conserved position in the protein, it is predicted to be benign by multiple in silico algorithms, and/or has population frequency not consistent with disease.

Dr. Peter K. Rogan Lab, Western University
No classification provided (evidence only). Condition: Cervical cancer. Review status: no classification provided. Collection method: in vitro. Allele origin: not applicable. Functional consequence: retained intron. Not counted in ClinVar's aggregate classification.

Dr. Peter K. Rogan Lab, Western University
No classification provided (evidence only). Condition: Sarcoma. Review status: no classification provided. Collection method: in vitro. Allele origin: not applicable. Functional consequence: retained intron. Not counted in ClinVar's aggregate classification.

NM_001035.3(RYR2):c.11246-158G>T

Gene: RYR2 (ryanodine receptor 2; plus strand). Cytogenetic location: 1q43.
Variant type: single nucleotide variant.
Coding change: c.11246-158G>T on transcript NM_001035.3 (MANE Select); 158 bases into the intron before coding-DNA position 11246, G replaced by T.
Molecular consequence: intron variant.
Genome position (GRCh38, 1-based): chr1:237,757,539, G>T. VCF-style: chr1-237757539-G-T. GRCh37 (hg19) VCF-style: chr1-237920839-G-T.
Other names: NC_000001.10:g.237920839G>T.
Identifiers: ClinVar variation 673855 (VCV000673855.2), dbSNP rs184640069, ClinGen allele CA39831008.